The following is an entry in ClinVar:

NM_001367624.2(ZNF469):c.3117G>T (p.Arg1039Ser)

Gene: ZNF469 (zinc finger protein 469; plus strand). Cytogenetic location: 16q24.2.
Variant type: single nucleotide variant.
Coding change: c.3117G>T on transcript NM_001367624.2 (MANE Select); coding-DNA position 3117, G replaced by T.
Protein change: p.Arg1039Ser; replaces arginine 1039 with serine.
Molecular consequence: missense variant.
Genome position (GRCh38, 1-based): chr16:88,430,587, G>T. VCF-style: chr16-88430587-G-T. GRCh37 (hg19) VCF-style: chr16-88496995-G-T.
Other names: NM_001127464.1:c.3117G>T; short protein forms R1039S.
Identifiers: ClinVar variation 1308985 (VCV001308985.10), dbSNP rs759380807, ClinGen allele CA8224826.

ClinVar aggregate classification (germline): Conflicting classifications of pathogenicity. Review status: criteria provided, conflicting classifications (1 of 4 stars). 4 submissions from 4 submitters: Uncertain significance (3); Likely benign (1). Last evaluated 2025-07-23.

Conditions:
Cardiovascular phenotype. Identifiers: MedGen CN230736.

Allele frequency attached by ClinVar (database versions not stated): gnomAD exomes 0.00003; 1000 Genomes Project 30x 0.00031; gnomAD 0.00031 and 0.00036.
gnomAD v4.1: 81 of 1,501,630 alleles (0.0054%); highest among the groups gnomAD compares: African/African-American, 0.11%; no homozygotes.

Submissions (4):

Women's Health and Genetics/Laboratory Corporation of America, LabCorp
Classification: Uncertain significance. Last evaluated: 2025-07-23. Review status: criteria provided, single submitter. Criteria: LabCorp Variant Classification Summary - May 2015. Collection method: clinical testing. Allele origin: germline.
Comment: Variant summary: ZNF469 c.3117G>T (p.Arg1039Ser) results in a non-conservative amino acid change in the encoded protein sequence. Algorithms developed to predict the effect of missense changes on protein structure and function are either unavailable or do not agree on the potential impact of this missense change. The variant allele was found at a frequency of 3e-05 in 99802 control chromosomes. The available data on variant occurrences in the general population are insufficient to allow any conclusion about variant significance. To our knowledge, no occurrence of c.3117G>T in individuals affected with Brittle cornea syndrome 1 and no experimental evidence demonstrating its impact on protein function have been reported. ClinVar contains an entry for this variant (Variation ID: 1308985). Based on the evidence outlined above, the variant was classified as uncertain significance.

Ambry Genetics
Classification: Likely benign for Cardiovascular phenotype. Last evaluated: 2024-12-09. Review status: criteria provided, single submitter. Criteria: Ambry Variant Classification Scheme 2023. Collection method: clinical testing. Allele origin: germline.

GeneDx
Classification: Uncertain significance. Last evaluated: 2023-12-21. Review status: criteria provided, single submitter. Criteria: GeneDx Variant Classification Process June 2021. Collection method: clinical testing. Allele origin: germline. Affected: yes.
Comment: In silico analysis supports that this missense variant has a deleterious effect on protein structure/function; In silico analysis supports a deleterious effect on splicing; Has not been previously published as pathogenic or benign to our knowledge

Labcorp Genetics (formerly Invitae), Labcorp
Classification: Uncertain significance. Last evaluated: 2021-09-24. Review status: criteria provided, single submitter. Criteria: Invitae Variant Classification Sherloc (09022015). Collection method: clinical testing. Allele origin: germline.
Comment: This sequence change replaces arginine with serine at codon 1039 of the ZNF469 protein (p.Arg1039Ser). The arginine residue is moderately conserved and there is a moderate physicochemical difference between arginine and serine. The frequency data for this variant in the population databases is considered unreliable, as metrics indicate poor data quality at this position in the ExAC database. This variant has not been reported in the literature in individuals with ZNF469-related conditions. Algorithms developed to predict the effect of missense changes on protein structure and function are either unavailable or do not agree on the potential impact of this missense change (SIFT: "Deleterious"; PolyPhen-2: "Probably Damaging"; Align-GVGD: "Class C0"). Algorithms developed to predict the effect of sequence changes on RNA splicing suggest that this variant may create or strengthen a splice site, but this prediction has not been confirmed by published transcriptional studies. In summary, the available evidence is currently insufficient to determine the role of this variant in disease. Therefore, it has been classified as a Variant of Uncertain Significance.